The following is an entry in ClinVar:

NM_015202.5(KATNIP):c.3259C>T (p.Arg1087Ter)

Gene: KATNIP (katanin interacting protein; plus strand). Cytogenetic location: 16p12.1.
Variant type: single nucleotide variant.
Coding change: c.3259C>T on transcript NM_015202.5 (MANE Select); coding-DNA position 3259, C replaced by T.
Protein change: p.Arg1087Ter; replaces arginine 1087 with a stop codon.
Molecular consequence: nonsense.
Genome position (GRCh38, 1-based): chr16:27,750,219, C>T. VCF-style: chr16-27750219-C-T. GRCh37 (hg19) VCF-style: chr16-27761540-C-T.
Other names: short protein forms R1087*.
Identifiers: ClinVar variation 1682065 (VCV001682065.6), dbSNP rs771883563, ClinGen allele CA7978177.

ClinVar aggregate classification (germline): Pathogenic (1 of 4 stars; one submission).

Allele frequency attached by ClinVar (database versions not stated): gnomAD 0.00001; gnomAD exomes 0.00001; ExAC 0.00002.
gnomAD v4.1: 19 of 1,613,900 alleles (0.0012%); highest among the groups gnomAD compares: South Asian, 0.0066%; no homozygotes.

Submission:

Labcorp Genetics (formerly Invitae), Labcorp
Classification: Pathogenic. Last evaluated: 2021-05-30. Review status: criteria provided, single submitter. Criteria: Invitae Variant Classification Sherloc (09022015). Collection method: clinical testing. Allele origin: germline.
Comment: This sequence change creates a premature translational stop signal (p.Arg1087*) in the KIAA0556 gene. It is expected to result in an absent or disrupted protein product. Loss-of-function variants in KIAA0556 are known to be pathogenic (PMID: 26714646, 27245168). This variant is present in population databases (rs771883563, ExAC 0.01%). This variant has not been reported in the literature in individuals with KIAA0556-related conditions. For these reasons, this variant has been classified as Pathogenic.

Literature cited by the submitters: PubMed 26714646; PubMed 27245168.